The following is an entry in ClinVar:

NM_001042492.3(NF1):c.4295C>T (p.Pro1432Leu)

Gene: NF1 (neurofibromin 1; plus strand). Cytogenetic location: 17q11.2.
Variant type: single nucleotide variant.
Coding change: c.4295C>T on transcript NM_001042492.3 (MANE Select); coding-DNA position 4295, C replaced by T.
Protein change: p.Pro1432Leu; replaces proline 1432 with leucine.
Molecular consequence: missense variant.
Genome position (GRCh38, 1-based): chr17:31,258,465, C>T. VCF-style: chr17-31258465-C-T. GRCh37 (hg19) VCF-style: chr17-29585483-C-T.
Other names: c.4232C>T, p.Pro1411Leu (NM_000267.4); short protein forms P1432L, P1411L.
Identifiers: ClinVar variation 824700 (VCV000824700.4), dbSNP rs1597744755, ClinGen allele CA398998050.
Genomic context (GRCh38, chr17:31,258,465, plus strand): 5'-GATTTATCAATCCTGCCATTGTCTCACCGTATGAAGCAGGGATTTTAGATAAAAAGCCAC[C>T]ACCTAGAATCGAAAGGGGCTTGAAGTTAATGTCAAAGGTGAATTATTTTGATAATCTAGC-3'
Protein context (NP_001035957.1, residues 1422-1442): YEAGILDKKP[Pro1432Leu]PRIERGLKLM

ClinVar aggregate classification (germline): Uncertain significance (1 of 4 stars; one submission).

Conditions:
Hereditary cancer-predisposing syndrome. Also called: Neoplastic Syndromes, Hereditary; Tumor predisposition; Hereditary neoplastic syndrome; Hereditary Cancer Syndrome. Identifiers: Orphanet 140162, MedGen C0027672, MeSH D009386, MONDO:0015356.
Cardiovascular phenotype. Identifiers: MedGen CN230736.

Submission:

Ambry Genetics
Classification: Uncertain significance for Cardiovascular phenotype; Hereditary cancer-predisposing syndrome. Last evaluated: 2019-12-02. Review status: criteria provided, single submitter. Criteria: Ambry Variant Classification Scheme 2023. Collection method: clinical testing. Allele origin: germline.
Comment: The p.P1411L variant (also known as c.4232C>T), located in coding exon 31 of the NF1 gene, results from a C to T substitution at nucleotide position 4232. The proline at codon 1411 is replaced by leucine, an amino acid with similar properties. This amino acid position is not well conserved in available vertebrate species. In addition, this alteration is predicted to be tolerated by in silico analysis. Since supporting evidence is limited at this time, the clinical significance of this alteration remains unclear.